The following is an entry in ClinVar:

NM_130839.5(UBE3A):c.2498+2T>C

Genes: SNHG14 (small nucleolar RNA host gene 14; plus strand), UBE3A (ubiquitin protein ligase E3A; minus strand). Cytogenetic location: 15q11.2.
Variant type: single nucleotide variant.
Coding change: c.2498+2T>C on transcript NM_130839.5 (MANE Select); the canonical splice donor site of the intron after coding-DNA position 2498, T replaced by C.
Molecular consequence: splice donor variant.
Genome position (GRCh38, 1-based): chr15:25,340,083, A>G on the plus strand (T>C on the coding strand, the complement: UBE3A is on the minus strand). VCF-style: chr15-25340083-A-G. GRCh37 (hg19) VCF-style: chr15-25585230-A-G.
Other names: c.2321+2T>C (NM_001354546.2); c.1187+2T>C (NM_001354551.2); c.2273+2T>C (NM_001354549.2); c.2282+2T>C (NM_001354548.2, NM_001354547.2); c.2438+2T>C (NM_130838.4, NM_001354542.2, NM_001354523.2 and 14 more transcripts); c.1247+2T>C (NM_001354550.2); c.2342+2T>C (NM_001354545.2); c.2498+2T>C (NM_001354538.2, NM_001354505.1); and 1 more.
Identifiers: ClinVar variation 1423106 (VCV001423106.8), dbSNP rs2152514800, ClinGen allele CA391350830.

ClinVar aggregate classification (germline): Pathogenic (1 of 4 stars; one submission).

Conditions:
Angelman syndrome (AS). Also called: HAPPY PUPPET SYNDROME. Identifiers: Orphanet 72, MedGen C0162635, MONDO:0007113, OMIM 105830. Disease mechanism: loss of function. Inheritance: AS is caused by disruption of maternally imprinted UBE3A located within the 15q11.2-q13 Angelman syndrome/Prader-Willi syndrome (AS/PWS) region., imprinting disorder.

Submission:

Labcorp Genetics (formerly Invitae), Labcorp
Classification: Pathogenic for Angelman syndrome. Last evaluated: 2021-06-16. Review status: criteria provided, single submitter. Criteria: Invitae Variant Classification Sherloc (09022015). Collection method: clinical testing. Allele origin: germline.
Comment: For these reasons, this variant has been classified as Pathogenic. This variant disrupts the C-terminus of the UBE3A protein. Other variant(s) that disrupt this region (p.Lys836Argfs*4) have been determined to be pathogenic (PMID: 9887341, 19213023). This suggests that variants that disrupt this region of the protein are likely to be causative of disease. Nucleotide substitutions within the consensus splice site are a relatively common cause of aberrant splicing (PMID: 17576681, 9536098). Algorithms developed to predict the effect of sequence changes on RNA splicing suggest that this variant may disrupt the consensus splice site, but this prediction has not been confirmed by published transcriptional studies. This variant has not been reported in the literature in individuals with UBE3A-related conditions. This variant is not present in population databases (ExAC no frequency). This sequence change affects a donor splice site in intron 9 of the UBE3A gene. While this variant is not anticipated to result in nonsense mediated decay, it likely alters RNA splicing and results in a disrupted protein product.

Literature cited by the submitters: PubMed 9887341; PubMed 19213023; PubMed 17576681; PubMed 9536098.